The following is an entry in ClinVar:

NM_198578.4(LRRK2):c.5092C>T (p.Pro1698Ser)

Gene: LRRK2 (leucine rich repeat kinase 2; plus strand). Cytogenetic location: 12q12.
Variant type: single nucleotide variant.
Coding change: c.5092C>T on transcript NM_198578.4 (MANE Select); coding-DNA position 5092, C replaced by T.
Protein change: p.Pro1698Ser; replaces proline 1698 with serine.
Molecular consequence: missense variant.
Genome position (GRCh38, 1-based): chr12:40,321,110, C>T. VCF-style: chr12-40321110-C-T. GRCh37 (hg19) VCF-style: chr12-40714912-C-T.
Other names: short protein forms P1698S.
Identifiers: ClinVar variation 1745283 (VCV001745283.2), dbSNP rs1389169436, ClinGen allele CA384419975.

ClinVar aggregate classification (germline): Uncertain significance (1 of 4 stars; one submission).

Conditions:
Inborn genetic diseases. Identifiers: MedGen C0950123, MeSH D030342.

Submission:

Ambry Genetics
Classification: Uncertain significance for Inborn genetic diseases. Last evaluated: 2022-08-23. Review status: criteria provided, single submitter. Criteria: Ambry Variant Classification Scheme 2023. Collection method: clinical testing. Allele origin: germline.
Comment: The p.P1698S variant (also known as c.5092C>T), located in coding exon 35 of the LRRK2 gene, results from a C to T substitution at nucleotide position 5092. The proline at codon 1698 is replaced by serine, an amino acid with similar properties. This amino acid position is conserved. In addition, the in silico prediction for this alteration is inconclusive. Since supporting evidence is limited at this time, the clinical significance of this alteration remains unclear.